The following is an entry in ClinVar:

NM_005631.5(SMO):c.314A>G (p.Lys105Arg)

Gene: SMO (smoothened, frizzled class receptor; plus strand). Cytogenetic location: 7q32.1.
Variant type: single nucleotide variant.
Coding change: c.314A>G on transcript NM_005631.5 (MANE Select); coding-DNA position 314, A replaced by G.
Protein change: p.Lys105Arg; replaces lysine 105 with arginine.
Molecular consequence: missense variant.
Genome position (GRCh38, 1-based): chr7:129,189,465, A>G. VCF-style: chr7-129189465-A-G. GRCh37 (hg19) VCF-style: chr7-128829306-A-G.
Other names: short protein forms K105R.
Identifiers: ClinVar variation 4975430 (VCV004975430.1).

ClinVar aggregate classification (germline): Uncertain significance (1 of 4 stars; one submission).

gnomAD v4.1: 1 of 1,537,728 alleles (0.000065%); highest among the groups gnomAD compares: Non-Finnish European, 0.000087%; no homozygotes.

Submission:

GeneDx
Classification: Uncertain significance. Last evaluated: 2026-01-27. Review status: criteria provided, single submitter. Criteria: GeneDx Variant Classification Process June 2021. Collection method: clinical testing. Allele origin: germline.
Comment: Not observed at significant frequency in large population cohorts (gnomAD); In silico analysis suggests that this missense variant does not alter protein structure/function; Has not been previously published as pathogenic or benign to our knowledge